The following is an entry in ClinVar:

ClinVar aggregate classification (germline): Uncertain significance (1 of 4 stars; one submission).

Conditions:
Baller-Gerold syndrome (BGS). Also called: CRANIOSYNOSTOSIS WITH RADIAL DEFECTS. Identifiers: Orphanet 1225, MedGen C0265308, MONDO:0009039, OMIM 218600.

gnomAD v4.1: 24 of 1,612,424 alleles (0.0015%); highest among the groups gnomAD compares: Non-Finnish European, 0.002%; no homozygotes.

Submission:

Labcorp Genetics (formerly Invitae), Labcorp
Classification: Uncertain significance for Baller-Gerold syndrome. Last evaluated: 2020-08-14. Review status: criteria provided, single submitter. Criteria: Invitae Variant Classification Sherloc (09022015). Collection method: clinical testing. Allele origin: germline.
Comment: This sequence change replaces glycine with alanine at codon 1023 of the RECQL4 protein (p.Gly1023Ala). The glycine residue is moderately conserved and there is a small physicochemical difference between glycine and alanine. This variant is not present in population databases (ExAC no frequency). This variant has not been reported in the literature in individuals with RECQL4-related conditions. Algorithms developed to predict the effect of missense changes on protein structure and function are either unavailable or do not agree on the potential impact of this missense change (SIFT: "Tolerated"; PolyPhen-2: "Not Available"; Align-GVGD: "Class C0"). In summary, the available evidence is currently insufficient to determine the role of this variant in disease. Therefore, it has been classified as a Variant of Uncertain Significance.

NM_004260.4(RECQL4):c.3068G>C (p.Gly1023Ala)

Gene: RECQL4 (RecQ like helicase 4; minus strand). Cytogenetic location: 8q24.3.
Variant type: single nucleotide variant.
Coding change: c.3068G>C on transcript NM_004260.4 (MANE Select); coding-DNA position 3068, G replaced by C.
Protein change: p.Gly1023Ala; replaces glycine 1023 with alanine.
Molecular consequence: missense variant.
Genome position (GRCh38, 1-based): chr8:144,512,312, C>G on the plus strand (G>C on the coding strand, the complement: RECQL4 is on the minus strand). VCF-style: chr8-144512312-C-G. GRCh37 (hg19) VCF-style: chr8-145737695-C-G.
Other names: short protein forms G1023A.
Identifiers: ClinVar variation 962529 (VCV000962529.5), dbSNP rs764657835, ClinGen allele CA372670875.